The following is an entry in ClinVar:

ClinVar aggregate classification (germline): Conflicting classifications of pathogenicity. Review status: criteria provided, conflicting classifications (1 of 4 stars). 6 submissions from 6 submitters: Uncertain significance (5); Likely benign (1). Last evaluated 2025-08-20.

Conditions:
Inborn genetic diseases. Identifiers: MedGen C0950123, MeSH D030342.
Sulfite oxidase deficiency due to molybdenum cofactor deficiency type C. Also called: Molybdenum cofactor deficiency C; Molybdenum cofactor deficiency, complementation group C. Identifiers: Orphanet 308400, Orphanet 833, MedGen C1854990, MONDO:0014212, OMIM 615501.

Allele frequency attached by ClinVar (database versions not stated): gnomAD exomes 0.00006 and 0.00008; TOPMed 0.00006; gnomAD 0.00007; ESP Exome Variant Server 0.00008; ExAC 0.00009.
gnomAD v4.1: 98 of 1,595,550 alleles (0.0061%); highest among the groups gnomAD compares: Middle Eastern, 0.055%; no homozygotes.

Submissions (6):

Ambry Genetics
Classification: Uncertain significance for Inborn genetic diseases. Last evaluated: 2025-08-20. Review status: criteria provided, single submitter. Criteria: Ambry Variant Classification Scheme 2023. Collection method: clinical testing. Allele origin: germline.

Labcorp Genetics (formerly Invitae), Labcorp
Classification: Uncertain significance for Sulfite oxidase deficiency due to molybdenum cofactor deficiency type C. Last evaluated: 2025-01-06. Review status: criteria provided, single submitter. Criteria: Invitae Variant Classification Sherloc (09022015). Collection method: clinical testing. Allele origin: germline.
Comment: This sequence change replaces asparagine, which is neutral and polar, with serine, which is neutral and polar, at codon 29 of the GPHN protein (p.Asn29Ser). The frequency data for this variant in the population databases is considered unreliable, as metrics indicate poor data quality at this position in the gnomAD database. This variant has not been reported in the literature in individuals affected with GPHN-related conditions. ClinVar contains an entry for this variant (Variation ID: 534549). Invitae Evidence Modeling of protein sequence and biophysical properties (such as structural, functional, and spatial information, amino acid conservation, physicochemical variation, residue mobility, and thermodynamic stability) indicates that this missense variant is not expected to disrupt GPHN protein function with a negative predictive value of 80%. In summary, the available evidence is currently insufficient to determine the role of this variant in disease. Therefore, it has been classified as a Variant of Uncertain Significance.

Blueprint Genetics
Classification: Uncertain significance. Last evaluated: 2024-10-29. Review status: criteria provided, single submitter. Criteria: ACMG Guidelines, 2015. Collection method: clinical testing. Allele origin: germline.

3billion
Classification: Likely benign for Sulfite oxidase deficiency due to molybdenum cofactor deficiency type C. Last evaluated: 2024-09-20. Review status: criteria provided, single submitter. Criteria: ACMG Guidelines, 2015. Collection method: clinical testing. Allele origin: germline. Affected: no.
Comment: The homozygous variant was found in patients diagnosed with another variant in a different gene, with no symptoms related to the gene containing the homozygous variant.

CeGaT Center for Human Genetics Tuebingen
Classification: Uncertain significance. Last evaluated: 2024-09-01. Review status: criteria provided, single submitter. Criteria: CeGaT Center For Human Genetics Tuebingen Variant Classification Criteria Version 2. Collection method: clinical testing. Allele origin: germline. Affected: yes. Observed: 1 variant allele.
Comment: GPHN: PM2

Baylor Genetics
Classification: Uncertain significance for Sulfite oxidase deficiency due to molybdenum cofactor deficiency type C. Last evaluated: 2020-07-08. Review status: criteria provided, single submitter. Criteria: ACMG Guidelines, 2015. Collection method: clinical testing. Allele origin: unknown. Affected: yes.
Comment: This variant was determined to be of uncertain significance according to ACMG Guidelines, 2015 [PMID:25741868].

NM_020806.5(GPHN):c.86A>G (p.Asn29Ser)

Gene: GPHN (gephyrin; plus strand). Cytogenetic location: 14q23.3.
Variant type: single nucleotide variant.
Coding change: c.86A>G on transcript NM_020806.5 (MANE Select); coding-DNA position 86, A replaced by G.
Protein change: p.Asn29Ser; replaces asparagine 29 with serine.
Molecular consequence: missense variant.
Genome position (GRCh38, 1-based): chr14:66,681,128, A>G. VCF-style: chr14-66681128-A-G. GRCh37 (hg19) VCF-style: chr14-67147846-A-G.
Other names: c.86A>G, p.Asn29Ser (NM_001024218.2, NM_001377514.1, NM_001377515.1 and 4 more transcripts); short protein forms N29S.
Identifiers: ClinVar variation 534549 (VCV000534549.28), dbSNP rs144247888, ClinGen allele CA7233631.